The following is an entry in ClinVar:

ClinVar aggregate classification (germline): Benign (3 of 4 stars; one submission).

Conditions:
Breast-ovarian cancer, familial, susceptibility to, 1 (BROVCA1). Also called: BRCA1 Hereditary Breast and Ovarian Cancer; OVARIAN CANCER, SUSCEPTIBILITY TO. Identifiers: Orphanet 145, MedGen C2676676, MONDO:0011450, OMIM 604370. Disease mechanism: loss of function.

Allele frequency attached by ClinVar (database versions not stated): gnomAD 0.01420 and 0.01525; 1000 Genomes Project 0.01558; 1000 Genomes Project 30x 0.01577; TOPMed 0.01634.
gnomAD v4.1: 2,137 of 152,056 alleles (1.4%); highest among the groups gnomAD compares: African/African-American, 4.8%; 53 homozygotes.

Submission:

Evidence-based Network for the Interpretation of Germline Mutant Alleles (ENIGMA)
Classification: Benign for Breast-ovarian cancer, familial 1. Last evaluated: 2015-01-12. Review status: reviewed by expert panel. Criteria: ENIGMA BRCA1/2 Classification Criteria (2015). Collection method: curation. Allele origin: germline.
Comment: Class 1 not pathogenic based on frequency >1% in an outbred sampleset. Frequency 0.08333 (African), derived from 1000 genomes (2012-04-30).

NM_007294.4(BRCA1):c.4357+1563T>G

Gene: BRCA1 (BRCA1 DNA repair associated; minus strand). Cytogenetic location: 17q21.31.
Variant type: single nucleotide variant.
Coding change: c.4357+1563T>G on transcript NM_007294.4 (MANE Select); 1563 bases into the intron after coding-DNA position 4357, T replaced by G.
Molecular consequence: intron variant.
Genome position (GRCh38, 1-based): chr17:43,080,841, A>C on the plus strand (T>G on the coding strand, the complement: BRCA1 is on the minus strand). VCF-style: chr17-43080841-A-C. GRCh37 (hg19) VCF-style: chr17-41232858-A-C.
Other names: IVS 13+1563T>G; c.4216+1563T>G (NM_001407944.1, NM_001407734.1, NM_001407730.1 and 23 more transcripts); c.4087+1563T>G (NM_001407934.1); c.784+1563T>G (NM_001408497.1, NM_001408496.1, NM_001408499.1 and 3 more transcripts); c.1048+1563T>G (NM_001407973.1, NM_001407975.1, NM_007298.4 and 6 more transcripts); c.4357+1563T>G (NM_001407596.1, NM_001407622.1, NM_001407602.1 and 18 more transcripts); c.3469+1563T>G (NM_001407966.1, NM_001407967.1); c.3973+1563T>G (NM_001407963.1, NM_001407962.1); and 61 more.
Identifiers: ClinVar variation 209405 (VCV000209405.2), dbSNP rs8176188, ClinGen allele CA276377.